The following is an entry in ClinVar:

ClinVar aggregate classification (germline): Uncertain significance (1 of 4 stars; one submission).

Allele frequency attached by ClinVar (database versions not stated): ESP Exome Variant Server 0.00008.

Submission:

GeneDx
Classification: Uncertain significance. Last evaluated: 2022-11-23. Review status: criteria provided, single submitter. Criteria: GeneDx Variant Classification Process June 2021. Collection method: clinical testing. Allele origin: germline. Affected: yes.
Comment: Not observed at significant frequency in large population cohorts (gnomAD); In silico analysis supports that this missense variant does not alter protein structure/function; Has not been previously published as pathogenic or benign to our knowledge

NM_032217.5(ANKRD17):c.6413C>T (p.Pro2138Leu)

Gene: ANKRD17 (ankyrin repeat domain 17; minus strand). Cytogenetic location: 4q13.3.
Variant type: single nucleotide variant.
Coding change: c.6413C>T on transcript NM_032217.5 (MANE Select); coding-DNA position 6413, C replaced by T.
Protein change: p.Pro2138Leu; replaces proline 2138 with leucine.
Molecular consequence: missense variant.
Genome position (GRCh38, 1-based): chr4:73,091,215, G>A on the plus strand (C>T on the coding strand, the complement: ANKRD17 is on the minus strand). VCF-style: chr4-73091215-G-A. GRCh37 (hg19) VCF-style: chr4-73956932-G-A.
Other names: c.6074C>T, p.Pro2025Leu (NM_001286771.3); c.6410C>T, p.Pro2137Leu (NM_015574.2); c.5660C>T, p.Pro1887Leu (NM_198889.3); short protein forms P1887L, P2025L, P2137L, P2138L.
Identifiers: ClinVar variation 2504435 (VCV002504435.1), dbSNP rs370067052, ClinGen allele CA99658570.